The following is an entry in ClinVar:

ClinVar aggregate classification (germline): Pathogenic (1 of 4 stars; one submission).

Conditions:
Duchenne muscular dystrophy (DMD). Also called: Duchenne Muscular Dystrophy (DMD); MUSCULAR DYSTROPHY, PSEUDOHYPERTROPHIC PROGRESSIVE, DUCHENNE TYPE. Identifiers: Orphanet 98896, MedGen C0013264, MONDO:0010679, OMIM 310200.

Submission:

Labcorp Genetics (formerly Invitae), Labcorp
Classification: Pathogenic for Duchenne muscular dystrophy. Last evaluated: 2023-10-28. Review status: criteria provided, single submitter. Criteria: Invitae Variant Classification Sherloc (09022015). Collection method: clinical testing. Allele origin: germline.
Comment: This variant is a gross deletion of the genomic region encompassing exon(s) 18-21 of the DMD gene. This deletion is out-of-frame, and is expected to create a premature termination codon and result in an absent or disrupted protein product. Loss-of-function variants in DMD are known to be pathogenic (PMID: 16770791, 25007885). A similar copy number variant has been observed in individuals with DMD-related conditions (PMID: 11409318, 25482253). For these reasons, this variant has been classified as Pathogenic.

Literature cited by the submitters: PubMed 16770791; PubMed 25007885; PubMed 11409318; PubMed 25482253.

NC_000023.10:g.(?_32503016)_(32536268_?)del

Gene: DMD (dystrophin; minus strand). Cytogenetic location: Xp21.1.
Variant type: Deletion.
Identifiers: ClinVar variation 2424899 (VCV002424899.5).